The following is an entry in ClinVar:

NM_006767.4(LZTR1):c.265A>T (p.Lys89Ter)

Gene: LZTR1 (leucine zipper like post translational regulator 1; plus strand). Cytogenetic location: 22q11.21.
Variant type: single nucleotide variant.
Coding change: c.265A>T on transcript NM_006767.4 (MANE Select); coding-DNA position 265, A replaced by T.
Protein change: p.Lys89Ter; replaces lysine 89 with a stop codon.
Molecular consequence: nonsense.
Genome position (GRCh38, 1-based): chr22:20,985,842, A>T. VCF-style: chr22-20985842-A-T. GRCh37 (hg19) VCF-style: chr22-21340131-A-T.
Other names: short protein forms K89*.
Identifiers: ClinVar variation 5023739 (VCV005023739.1).

ClinVar aggregate classification (germline): Pathogenic (1 of 4 stars; one submission).

Conditions:
Cardiovascular phenotype. Identifiers: MedGen CN230736.
Hereditary cancer-predisposing syndrome. Also called: Neoplastic Syndromes, Hereditary; Tumor predisposition; Hereditary neoplastic syndrome; Hereditary Cancer Syndrome. Identifiers: Orphanet 140162, MedGen C0027672, MeSH D009386, MONDO:0015356.

Submission:

Ambry Genetics
Classification: Pathogenic for Cardiovascular phenotype; Hereditary cancer-predisposing syndrome. Last evaluated: 2026-07-23. Review status: criteria provided, single submitter. Criteria: Ambry Variant Classification Scheme 2023. Collection method: clinical testing. Allele origin: germline.
Comment: The p.K89* pathogenic mutation (also known as c.265A>T), located in coding exon 3 of the LZTR1 gene, results from an A to T substitution at nucleotide position 265. This changes the amino acid from a lysine to a stop codon within coding exon 3. This alteration is expected to result in loss of function by premature protein truncation or nonsense-mediated mRNA decay. Loss-of-function variants in LZTR1 are related to an increased risk for schwannomas and autosomal recessive Noonan syndrome; however, such associations with autosomal dominant Noonan syndrome have not been observed (Piotrowski A et al. Nat Genet. 2014 Feb;46:182-7; Yamamoto GL et al. J Med Genet. 2015 Jun;52:413-21; Johnston JJ et al. Genet Med. 2018 10;20:1175-1185). Based on the supporting evidence, this variant is pathogenic for an increased risk of LZTR1-related schwannomatosis (SWN) and would be expected to cause autosomal recessive Noonan syndrome when present along with a second pathogenic or likely pathogenic variant on the other allele; however, the association of this variant with autosomal dominant Noonan syndrome is unlikely.